The following is an entry in ClinVar:

NC_000016.9:g.(?_47727269)_(47730419_?)del

Gene: PHKB (phosphorylase kinase regulatory subunit beta; plus strand). Cytogenetic location: 16q12.1.
Variant type: Deletion.
Identifiers: ClinVar variation 3243390 (VCV003243390.1).

ClinVar aggregate classification (germline): Pathogenic (1 of 4 stars; one submission).

Conditions:
Glycogen storage disease IXb (GSD9B). Also called: GLYCOGENOSIS OF LIVER AND MUSCLE, AUTOSOMAL RECESSIVE; GSD IXb; PHOSPHORYLASE KINASE DEFICIENCY OF LIVER AND MUSCLE, AUTOSOMAL RECESSIVE. Identifiers: Orphanet 79240, MedGen C0543514, MONDO:0009868, OMIM 261750.

Submission:

Labcorp Genetics (formerly Invitae), Labcorp
Classification: Pathogenic for Glycogen storage disease IXb. Last evaluated: 2023-03-27. Review status: criteria provided, single submitter. Criteria: Invitae Variant Classification Sherloc (09022015). Collection method: clinical testing. Allele origin: unknown.
Comment: For these reasons, this variant has been classified as Pathogenic. This variant has not been reported in the literature in individuals affected with PHKB-related conditions. This variant is a gross deletion of the genomic region encompassing exon(s) 28-29 of the PHKB gene. This deletion is out-of-frame, and is expected to create a premature termination codon and result in an absent or disrupted protein product. Loss-of-function variants in PHKB are known to be pathogenic (PMID: 9215682, 9326319).

Literature cited by the submitters: PubMed 9215682; PubMed 9326319.